The following is an entry in ClinVar:

NC_000001.10:g.(?_193172915)_(193219842_?)dup

Gene: CDC73 (cell division cycle 73; plus strand). Cytogenetic location: 1q31.2.
Variant type: Duplication.
Identifiers: ClinVar variation 1016063 (VCV001016063.2).

ClinVar aggregate classification (germline): Uncertain significance (1 of 4 stars; one submission).

Conditions:
Parathyroid carcinoma (PRTC). Also called: CDC73-Related Parathyroid Carcinoma; Parathyroid gland carcinoma. Identifiers: Orphanet 143, MedGen C0687150, MONDO:0012004, OMIM 608266, HP:0006780.

Submission:

Labcorp Genetics (formerly Invitae), Labcorp
Classification: Uncertain significance for Parathyroid carcinoma. Last evaluated: 2022-10-24. Review status: criteria provided, single submitter. Criteria: Invitae Variant Classification Sherloc (09022015). Collection method: clinical testing. Allele origin: germline.
Comment: This variant results in a copy number gain of the genomic region encompassing exon(s) 11-17 of the CDC73 gene. This region includes the termination codon of the gene. This copy number gain extends beyond the assayed region for this gene and therefore may encompass additional genes. As the precise location of this event is unknown, it may be in tandem or it may be located elsewhere in the genome. This variant has not been reported in the literature in individuals affected with CDC73-related conditions. In summary, the available evidence is currently insufficient to determine the role of this variant in disease. Therefore, it has been classified as a Variant of Uncertain Significance.